The following is an entry in ClinVar:

ClinVar aggregate classification (germline): Uncertain significance (1 of 4 stars; one submission).

Conditions:
Episodic kinesigenic dyskinesia (EKD). Also called: Paroxysmal kinesigenic dyskinesia. Identifiers: Orphanet 98809, MedGen C1868682, MONDO:0044202.

Submission:

Labcorp Genetics (formerly Invitae), Labcorp
Classification: Uncertain significance for Episodic kinesigenic dyskinesia. Last evaluated: 2024-11-18. Review status: criteria provided, single submitter. Criteria: Invitae Variant Classification Sherloc (09022015). Collection method: clinical testing. Allele origin: germline.
Comment: This sequence change replaces leucine, which is neutral and non-polar, with proline, which is neutral and non-polar, at codon 326 of the PRRT2 protein (p.Leu326Pro). This variant is not present in population databases (gnomAD no frequency). This variant has not been reported in the literature in individuals affected with PRRT2-related conditions. Invitae Evidence Modeling of protein sequence and biophysical properties (such as structural, functional, and spatial information, amino acid conservation, physicochemical variation, residue mobility, and thermodynamic stability) indicates that this missense variant is expected to disrupt PRRT2 protein function with a positive predictive value of 80%. In summary, the available evidence is currently insufficient to determine the role of this variant in disease. Therefore, it has been classified as a Variant of Uncertain Significance.

NM_145239.3(PRRT2):c.977T>C (p.Leu326Pro)

Genes: MVP-DT (MVP divergent transcript; minus strand), PRRT2 (proline rich transmembrane protein 2; plus strand). Cytogenetic location: 16p11.2.
Variant type: single nucleotide variant.
Coding change: c.977T>C on transcript NM_145239.3 (MANE Select); coding-DNA position 977, T replaced by C.
Protein change: p.Leu326Pro; replaces leucine 326 with proline.
Molecular consequence: missense variant. On other transcripts: 3 prime UTR variant (1).
Genome position (GRCh38, 1-based): chr16:29,814,430, T>C. VCF-style: chr16-29814430-T-C. GRCh37 (hg19) VCF-style: chr16-29825751-T-C.
Other names: c.977T>C, p.Leu326Pro (NM_001256442.2); c.*476T>C (NM_001256443.2); short protein forms L326P.
Identifiers: ClinVar variation 3637522 (VCV003637522.2).